The following is an entry in ClinVar:

NM_001286581.2(PHRF1):c.4913C>T (p.Ala1638Val)

Gene: PHRF1 (PHD and ring finger domains 1; plus strand). Cytogenetic location: 11p15.5.
Variant type: single nucleotide variant.
Coding change: c.4913C>T on transcript NM_001286581.2 (MANE Select); coding-DNA position 4913, C replaced by T.
Protein change: p.Ala1638Val; replaces alanine 1638 with valine.
Molecular consequence: missense variant.
Genome position (GRCh38, 1-based): chr11:611,740, C>T. VCF-style: chr11-611740-C-T. GRCh37 (hg19) VCF-style: chr11-611740-C-T.
Other names: c.4907C>T, p.Ala1636Val (NM_001286582.2); c.4901C>T, p.Ala1634Val (NM_001286583.2); c.4910C>T, p.Ala1637Val (NM_020901.4); short protein forms A1634V, A1636V, A1637V, A1638V.
Identifiers: ClinVar variation 3043655 (VCV003043655.2), dbSNP rs73398389, ClinGen allele CA5783369.

ClinVar aggregate classification (germline): Likely benign (0 of 4 stars; one submission).

Conditions:
PHRF1-related disorder. Also called: PHRF1-related condition.

Allele frequency attached by ClinVar (database versions not stated): ESP Exome Variant Server 0.00162; 1000 Genomes Project 30x 0.00219; 1000 Genomes Project 0.00220; gnomAD 0.00235; TOPMed 0.00259.
gnomAD v4.1: 534 of 1,611,648 alleles (0.033%); highest among the groups gnomAD compares: African/African-American, 0.61%; 5 homozygotes.

Submission:

PreventionGenetics, part of Exact Sciences
Classification: Likely benign for PHRF1-related condition. Last evaluated: 2020-05-05. Review status: no assertion criteria provided. Collection method: clinical testing. Allele origin: germline.
Comment: This variant is classified as likely benign based on ACMG/AMP sequence variant interpretation guidelines (Richards et al. 2015 PMID: 25741868, with internal and published modifications).